The following is an entry in ClinVar:

NM_001854.4(COL11A1):c.2378G>A (p.Gly793Asp)

Gene: COL11A1 (collagen type XI alpha 1 chain; minus strand). Cytogenetic location: 1p21.1.
Variant type: single nucleotide variant.
Coding change: c.2378G>A on transcript NM_001854.4 (MANE Select); coding-DNA position 2378, G replaced by A.
Protein change: p.Gly793Asp; replaces glycine 793 with aspartic acid.
Molecular consequence: missense variant. On other transcripts: non-coding transcript variant (1).
Genome position (GRCh38, 1-based): chr1:102,989,534, C>T on the plus strand (G>A on the coding strand, the complement: COL11A1 is on the minus strand). VCF-style: chr1-102989534-C-T. GRCh37 (hg19) VCF-style: chr1-103455090-C-T.
Other names: c.2261G>A, p.Gly754Asp (NM_001190709.2); c.2414G>A, p.Gly805Asp (NM_080629.3); c.2030G>A, p.Gly677Asp (NM_080630.4); short protein forms G754D, G677D, G793D, G805D.
Identifiers: ClinVar variation 1037349 (VCV001037349.8), dbSNP rs1663916513, ClinGen allele CA341167017.

ClinVar aggregate classification (germline): Uncertain significance (1 of 4 stars; one submission).

Allele frequency attached by ClinVar (database versions not stated): gnomAD exomes below 0.00001.
gnomAD v4.1: 1 of 1,610,658 alleles (0.000062%); highest among the groups gnomAD compares: Non-Finnish European, 0.000085%; no homozygotes.

Submission:

Labcorp Genetics (formerly Invitae), Labcorp
Classification: Uncertain significance. Last evaluated: 2022-01-28. Review status: criteria provided, single submitter. Criteria: Invitae Variant Classification Sherloc (09022015). Collection method: clinical testing. Allele origin: germline.
Comment: In summary, the available evidence is currently insufficient to determine the role of this variant in disease. Therefore, it has been classified as a Variant of Uncertain Significance. Advanced modeling of protein sequence and biophysical properties (such as structural, functional, and spatial information, amino acid conservation, physicochemical variation, residue mobility, and thermodynamic stability) performed at Invitae indicates that this missense variant is expected to disrupt COL11A1 protein function. ClinVar contains an entry for this variant (Variation ID: 1037349). This missense change has been observed in individual(s) with COL11A1-related conditions (Invitae). This variant is not present in population databases (gnomAD no frequency). This sequence change replaces glycine, which is neutral and non-polar, with aspartic acid, which is acidic and polar, at codon 793 of the COL11A1 protein (p.Gly793Asp).